The following is an entry in ClinVar:

NM_016333.4(SRRM2):c.3523G>C (p.Asp1175His)

Gene: SRRM2 (serine/arginine repetitive matrix 2; plus strand). Cytogenetic location: 16p13.3.
Variant type: single nucleotide variant.
Coding change: c.3523G>C on transcript NM_016333.4 (MANE Select); coding-DNA position 3523, G replaced by C.
Protein change: p.Asp1175His; replaces aspartic acid 1175 with histidine.
Molecular consequence: missense variant.
Genome position (GRCh38, 1-based): chr16:2,764,051, G>C. VCF-style: chr16-2764051-G-C. GRCh37 (hg19) VCF-style: chr16-2814052-G-C.
Other names: short protein forms D1175H.
Identifiers: ClinVar variation 2446342 (VCV002446342.1), dbSNP rs2505607433, ClinGen allele CA394414621.

ClinVar aggregate classification (germline): Uncertain significance (1 of 4 stars; one submission).

Submission:

GeneDx
Classification: Uncertain significance. Last evaluated: 2022-09-27. Review status: criteria provided, single submitter. Criteria: GeneDx Variant Classification Process June 2021. Collection method: clinical testing. Allele origin: germline. Affected: yes.
Comment: Not observed at significant frequency in large population cohorts (gnomAD); In silico analysis supports that this missense variant does not alter protein structure/function; Has not been previously published as pathogenic or benign to our knowledge